The following is an entry in ClinVar:

ClinVar aggregate classification (germline): Uncertain significance (1 of 4 stars; one submission).

Conditions:
Dyskeratosis congenita, autosomal dominant 2. Identifiers: MedGen C3151443, MONDO:0013521, OMIM 613989.
Idiopathic Pulmonary Fibrosis. Also called: Idiopathic fibrosing alveolitis, chronic form; idiopathic fibrosing alveolitis. Identifiers: Orphanet 2032, MedGen C1800706, MeSH D054990, MONDO:0800504.

Allele frequency attached by ClinVar (database versions not stated): gnomAD exomes below 0.00001.
gnomAD v4.1: 1 of 1,614,188 alleles (0.000062%); highest among the groups gnomAD compares: Non-Finnish European, 0.000085%; no homozygotes.

Submission:

Labcorp Genetics (formerly Invitae), Labcorp
Classification: Uncertain significance for Dyskeratosis congenita, autosomal dominant 2; Idiopathic Pulmonary Fibrosis. Last evaluated: 2017-05-09. Review status: criteria provided, single submitter. Criteria: Invitae Variant Classification Sherloc (09022015). Collection method: clinical testing. Allele origin: germline.
Comment: In summary, this variant is a novel missense change with uncertain impact on protein function. It has been classified as a Variant of Uncertain Significance. Algorithms developed to predict the effect of missense changes on protein structure and function do not agree on the potential impact of this missense change (SIFT: "Tolerated"; PolyPhen-2: "Possibly Damaging"; Align-GVGD: "Class C0"). This variant is not present in population databases (ExAC no frequency) and has not been reported in the literature in individuals with a TERT-related disease. This sequence change replaces phenylalanine with leucine at codon 560 of the TERT protein (p.Phe560Leu). The phenylalanine residue is highly conserved and there is a small physicochemical difference between phenylalanine and leucine.

NM_198253.3(TERT):c.1680C>A (p.Phe560Leu)

Gene: TERT (telomerase reverse transcriptase; minus strand). Cytogenetic location: 5p15.33.
Variant type: single nucleotide variant.
Coding change: c.1680C>A on transcript NM_198253.3 (MANE Select); coding-DNA position 1680, C replaced by A.
Protein change: p.Phe560Leu; replaces phenylalanine 560 with leucine.
Molecular consequence: missense variant. On other transcripts: non-coding transcript variant (2).
Genome position (GRCh38, 1-based): chr5:1,282,518, G>T on the plus strand (C>A on the coding strand, the complement: TERT is on the minus strand). VCF-style: chr5-1282518-G-T. GRCh37 (hg19) VCF-style: chr5-1282633-G-T.
Other names: c.1680C>A, p.Phe560Leu (NM_001193376.3); short protein forms F560L.
Identifiers: ClinVar variation 471828 (VCV000471828.9), dbSNP rs1554041306, ClinGen allele CA359083099.
Genomic context (GRCh38, chr5:1,282,518, plus strand): 5'-GACACTCTTCCGGTAGAAAAAGAGCCTGTTCTTTTGAAACGTGGTCTCCGTGACATAAAA[G>T]AAAGACCTGAGCAGCTCGACGACGTACACACTCATCAGCCAGTGCAGGAACTTGGCCAGG-3'
Protein context (NP_937983.2, residues 550-570): SVYVVELLRS[Phe560Leu]FYVTETTFQK